The following is an entry in ClinVar:

NM_015949.3(GET4):c.365G>A (p.Arg122His)

Gene: GET4 (guided entry of tail-anchored proteins factor 4; plus strand). Cytogenetic location: 7p22.3.
Variant type: single nucleotide variant.
Coding change: c.365G>A on transcript NM_015949.3 (MANE Select); coding-DNA position 365, G replaced by A.
Protein change: p.Arg122His; replaces arginine 122 with histidine.
Molecular consequence: missense variant.
Genome position (GRCh38, 1-based): chr7:887,418, G>A. VCF-style: chr7-887418-G-A. GRCh37 (hg19) VCF-style: chr7-927055-G-A.
Other names: short protein forms R122H.
Identifiers: ClinVar variation 979050 (VCV000979050.10), dbSNP rs1268790820, ClinGen allele CA366543452.

ClinVar aggregate classification (germline): Uncertain significance. Review status: criteria provided, single submitter (1 of 4 stars). 3 submissions from 3 submitters: Uncertain significance (1). 2 of the submissions do not count toward it. Last evaluated 2025-07-01.

Conditions:
Congenital disorder of glycosylation, type IIy (CDG2Y). Also called: CDG IIy. Identifiers: MedGen C5774294, MONDO:0859356, OMIM 620200.
GET4 deficiency.

Allele frequency attached by ClinVar (database versions not stated): gnomAD exomes 0.00001 and below 0.00001; TOPMed 0.00001; gnomAD 0.00002.
gnomAD v4.1: 10 of 1,604,260 alleles (0.00062%); highest among the groups gnomAD compares: African/African-American, 0.0013%; no homozygotes.

Submissions (3):

CeGaT Center for Human Genetics Tuebingen
Classification: Uncertain significance. Last evaluated: 2025-07-01. Review status: criteria provided, single submitter. Criteria: CeGaT Center For Human Genetics Tuebingen Variant Classification Criteria Version 2. Collection method: clinical testing. Allele origin: germline. Affected: yes. Observed: 1 variant allele.
Comment: GET4: PM2, PM3, PP3

OMIM
Classification: Pathogenic for CONGENITAL DISORDER OF GLYCOSYLATION, TYPE IIy (1 patient). Last evaluated: 2023-03-08. Review status: no assertion criteria provided. Collection method: literature only. Allele origin: germline. Not counted in ClinVar's aggregate classification.

University of Washington Center for Mendelian Genomics, University of Washington
Classification: Likely pathogenic for GET4 deficiency. Review status: no assertion criteria provided. Collection method: research. Allele origin: maternal. Affected: yes. Not counted in ClinVar's aggregate classification.

Literature cited by the submitters: PubMed 32395830 (cited by OMIM and University of Washington Center for Mendelian Genomics, University of Washington).